The following is an entry in ClinVar:

ClinVar aggregate classification (germline): Uncertain significance (1 of 4 stars; one submission).

Conditions:
Hereditary spastic paraplegia 3A (SPG3A). Also called: SPASTIC PARAPLEGIA 3, AUTOSOMAL DOMINANT; FAMILIAL SPASTIC PARAPLEGIA, AUTOSOMAL DOMINANT, 1; SPG3; STRUMPELL DISEASE; Spastic Paraplegia 3A; Spastic paraplegia 3A, autosomal dominant. Identifiers: Orphanet 100984, MedGen C2931355, MONDO:0008437, OMIM 182600.

Allele frequency attached by ClinVar (database versions not stated): gnomAD exomes below 0.00001.
gnomAD v4.1: 3 of 1,613,094 alleles (0.00019%); highest among the groups gnomAD compares: Non-Finnish European, 0.00025%; no homozygotes.

Submission:

Labcorp Genetics (formerly Invitae), Labcorp
Classification: Uncertain significance for Hereditary spastic paraplegia 3A. Last evaluated: 2024-01-22. Review status: criteria provided, single submitter. Criteria: Invitae Variant Classification Sherloc (09022015). Collection method: clinical testing. Allele origin: germline.
Comment: This sequence change replaces glutamic acid, which is acidic and polar, with glycine, which is neutral and non-polar, at codon 292 of the ATL1 protein (p.Glu292Gly). This variant is not present in population databases (gnomAD no frequency). This variant has not been reported in the literature in individuals affected with ATL1-related conditions. ClinVar contains an entry for this variant (Variation ID: 1943033). Advanced modeling of protein sequence and biophysical properties (such as structural, functional, and spatial information, amino acid conservation, physicochemical variation, residue mobility, and thermodynamic stability) performed at Invitae indicates that this missense variant is not expected to disrupt ATL1 protein function with a negative predictive value of 80%. In summary, the available evidence is currently insufficient to determine the role of this variant in disease. Therefore, it has been classified as a Variant of Uncertain Significance.

NM_015915.5(ATL1):c.875A>G (p.Glu292Gly)

Gene: ATL1 (atlastin GTPase 1; plus strand). Cytogenetic location: 14q22.1.
Variant type: single nucleotide variant.
Coding change: c.875A>G on transcript NM_015915.5 (MANE Select); coding-DNA position 875, A replaced by G.
Protein change: p.Glu292Gly; replaces glutamic acid 292 with glycine.
Molecular consequence: missense variant.
Genome position (GRCh38, 1-based): chr14:50,620,611, A>G. VCF-style: chr14-50620611-A-G. GRCh37 (hg19) VCF-style: chr14-51087329-A-G.
Other names: c.875A>G, p.Glu292Gly (NM_001127713.1, NM_181598.4); short protein forms E292G.
Identifiers: ClinVar variation 1943033 (VCV001943033.5), dbSNP rs2504557415, ClinGen allele CA389673099.